The following is an entry in ClinVar:

NM_001127208.3(TET2):c.5977C>T (p.Arg1993Trp)

Genes: TET2 (tet methylcytosine dioxygenase 2; plus strand), TET2-AS1 (TET2 antisense RNA 1; minus strand). Cytogenetic location: 4q24.
Variant type: single nucleotide variant.
Coding change: c.5977C>T on transcript NM_001127208.3 (MANE Select); coding-DNA position 5977, C replaced by T.
Protein change: p.Arg1993Trp; replaces arginine 1993 with tryptophan.
Molecular consequence: missense variant.
Genome position (GRCh38, 1-based): chr4:105,276,487, C>T. VCF-style: chr4-105276487-C-T. GRCh37 (hg19) VCF-style: chr4-106197644-C-T.
Other names: short protein forms R1993W.
Identifiers: ClinVar variation 1908851 (VCV001908851.5), dbSNP rs373501577, ClinGen allele CA3032308.
Genomic context (GRCh38, chr4:105,276,487, plus strand): 5'-GAAAGGACCATGTCCGTGACCACAGACTCCACAGTAACTACATCTCCATATGCCTTCACT[C>T]GGGTCACAGGGCCTTACAACAGATATATATGATATCACCCCCTTTTGTTGGTTACCTCAC-3'
Protein context (NP_001120680.1, residues 1983-2002): TVTTSPYAFT[Arg1993Trp]VTGPYNRYI

ClinVar aggregate classification (germline): Uncertain significance (1 of 4 stars; one submission).

Allele frequency attached by ClinVar (database versions not stated): TOPMed 0.00001; gnomAD 0.00003; ExAC 0.00009.
gnomAD v4.1: 52 of 1,551,522 alleles (0.0034%); highest among the groups gnomAD compares: South Asian, 0.038%; no homozygotes.

Submission:

Labcorp Genetics (formerly Invitae), Labcorp
Classification: Uncertain significance. Last evaluated: 2024-12-03. Review status: criteria provided, single submitter. Criteria: Invitae Variant Classification Sherloc (09022015). Collection method: clinical testing. Allele origin: germline.
Comment: This sequence change replaces arginine, which is basic and polar, with tryptophan, which is neutral and slightly polar, at codon 1993 of the TET2 protein (p.Arg1993Trp). This variant is present in population databases (rs373501577, gnomAD 0.03%). This variant has not been reported in the literature in individuals affected with TET2-related conditions. ClinVar contains an entry for this variant (Variation ID: 1908851). An algorithm developed to predict the effect of missense changes on protein structure and function (PolyPhen-2) suggests that this variant is likely to be disruptive. In summary, the available evidence is currently insufficient to determine the role of this variant in disease. Therefore, it has been classified as a Variant of Uncertain Significance.